The following is an entry in ClinVar:

NM_031310.3(PLVAP):c.1072C>T (p.Arg358Ter)

Gene: PLVAP (plasmalemma vesicle associated protein; minus strand). Cytogenetic location: 19p13.11.
Variant type: single nucleotide variant.
Coding change: c.1072C>T on transcript NM_031310.3 (MANE Select); coding-DNA position 1072, C replaced by T.
Protein change: p.Arg358Ter; replaces arginine 358 with a stop codon.
Molecular consequence: nonsense.
Genome position (GRCh38, 1-based): chr19:17,365,393, G>A on the plus strand (C>T on the coding strand, the complement: PLVAP is on the minus strand). VCF-style: chr19-17365393-G-A. GRCh37 (hg19) VCF-style: chr19-17476202-G-A.
Other names: short protein forms R358*.
Identifiers: ClinVar variation 590326 (VCV000590326.5), dbSNP rs761158492, ClinGen allele CA9293888.

ClinVar aggregate classification (germline): Pathogenic. Review status: criteria provided, multiple submitters, no conflicts (2 of 4 stars). 3 submissions from 3 submitters: Pathogenic (2). 1 of the submissions does not count toward it. Last evaluated 2024-12-02.

Conditions:
Diarrhea 10, protein-losing enteropathy type. Identifiers: MedGen C4748579, MONDO:0032586, OMIM 618183.

gnomAD v4.1: 9 of 1,613,086 alleles (0.00056%); highest among the groups gnomAD compares: South Asian, 0.0044%; no homozygotes.

Submissions (3):

Labcorp Genetics (formerly Invitae), Labcorp
Classification: Pathogenic. Last evaluated: 2024-12-02. Review status: criteria provided, single submitter. Criteria: Invitae Variant Classification Sherloc (09022015). Collection method: clinical testing. Allele origin: germline.
Comment: This sequence change creates a premature translational stop signal (p.Arg358*) in the PLVAP gene. It is expected to result in an absent or disrupted protein product. Loss-of-function variants in PLVAP are known to be pathogenic (PMID: 26207260, 29661969). This variant is present in population databases (rs761158492, gnomAD 0.003%). This premature translational stop signal has been observed in individual(s) with protein-losing enteropathy (PMID: 26207260). ClinVar contains an entry for this variant (Variation ID: 590326). For these reasons, this variant has been classified as Pathogenic.

Aleixo Muise Laboratory, Hospital For Sick Children
Classification: Pathogenic for Diarrhea 10, protein-losing enteropathy type. Last evaluated: 2024-07-05. Review status: criteria provided, single submitter. Criteria: ACMG Guidelines, 2015. Collection method: research. Allele origin: germline. Affected: yes. Observed: 1 variant allele.
Comment: PVS1;PS1;PM2;PM3;PP3;PP4

OMIM
Classification: Pathogenic for DIARRHEA 10, PROTEIN-LOSING ENTEROPATHY TYPE. Last evaluated: 2018-11-20. Review status: no assertion criteria provided. Collection method: literature only. Allele origin: germline. Not counted in ClinVar's aggregate classification.

Literature cited by the submitters: PubMed 26207260 (cited by Labcorp Genetics (formerly Invitae), Labcorp and OMIM); PubMed 29661969 (cited by Labcorp Genetics (formerly Invitae), Labcorp).